The following is an entry in ClinVar:

NM_001082486.2(ACD):c.768G>A (p.Pro256=)

Gene: ACD (ACD shelterin complex subunit and telomerase recruitment factor; minus strand). Cytogenetic location: 16q22.1.
Variant type: single nucleotide variant.
Coding change: c.768G>A on transcript NM_001082486.2 (MANE Select); coding-DNA position 768, G replaced by A.
Protein change: p.Pro256=; no amino-acid change (proline 256 retained).
Molecular consequence: synonymous variant. On other transcripts: intron variant (1).
Genome position (GRCh38, 1-based): chr16:67,658,616, C>T on the plus strand (G>A on the coding strand, the complement: ACD is on the minus strand). VCF-style: chr16-67658616-C-T. GRCh37 (hg19) VCF-style: chr16-67692519-C-T.
Other names: c.759G>A, p.Pro253= (NM_022914.3); c.742+104G>A (NM_001410884.1).
Identifiers: ClinVar variation 1694801 (VCV001694801.35), dbSNP rs1245603152, ClinGen allele CA496087822.

ClinVar aggregate classification (germline): Likely benign. Review status: criteria provided, multiple submitters, no conflicts (2 of 4 stars). 3 submissions from 3 submitters: Likely benign (3). Last evaluated 2026-08-01.

Conditions:
Inborn genetic diseases. Identifiers: MedGen C0950123, MeSH D030342.
Dyskeratosis congenita, autosomal dominant 6 (DKCA6). Identifiers: Orphanet 3322, MedGen C4225284, MONDO:0014690, OMIM 616553.

Allele frequency attached by ClinVar (database versions not stated): gnomAD exomes 0.00001.
gnomAD v4.1: 12 of 1,576,278 alleles (0.00076%); highest among the groups gnomAD compares: African/African-American, 0.0014%; no homozygotes.

Submissions (3):

CeGaT Center for Human Genetics Tuebingen
Classification: Likely benign. Last evaluated: 2026-08-01. Review status: criteria provided, single submitter. Criteria: CeGaT Center For Human Genetics Tuebingen Variant Classification Criteria Version 2. Collection method: clinical testing. Allele origin: germline. Affected: yes. Observed: 4 variant alleles.
Comment: ACD: BP4, BP7

Labcorp Genetics (formerly Invitae), Labcorp
Classification: Likely benign for Dyskeratosis congenita, autosomal dominant 6. Last evaluated: 2024-09-21. Review status: criteria provided, single submitter. Criteria: Invitae Variant Classification Sherloc (09022015). Collection method: clinical testing. Allele origin: germline.

Ambry Genetics
Classification: Likely benign for Inborn genetic diseases. Last evaluated: 2020-03-16. Review status: criteria provided, single submitter. Criteria: Ambry Variant Classification Scheme 2023. Collection method: clinical testing. Allele origin: germline.